The following is an entry in ClinVar:

NM_000179.3(MSH6):c.3863_3866dup (p.Phe1289fs)

Gene: MSH6 (mutS homolog 6; plus strand). Cytogenetic location: 2p16.3.
Variant type: Duplication.
Coding change: c.3863_3866dup on transcript NM_000179.3 (MANE Select); coding-DNA positions 3863 to 3866, 4 bases duplicated (AATT; older notation c.3863_3866dupAATT).
Protein change: p.Phe1289fs; shifts the reading frame from phenylalanine 1289.
Molecular consequence: frameshift variant.
Genome position (GRCh38, 1-based): chr2:47,806,513-47,806,516, AATT duplicated. VCF-style (leftmost placement, unchanged base first): chr2-47806512-A-AAATT. GRCh37 (hg19) VCF-style: chr2-48033651-A-AAATT.
Other names: c.3473_3476dup, p.Phe1159fs (NM_001281492.2); c.2957_2960dup, p.Phe987fs (NM_001281493.2, NM_001281494.2); c.3863_3866dupAATT (NM_000179.2); short protein forms F987fs, F1159fs, F1289fs.
Identifiers: ClinVar variation 218074 (VCV000218074.11), dbSNP rs863225416, ClinGen allele CA279791.

ClinVar aggregate classification (germline): Pathogenic. Review status: criteria provided, multiple submitters, no conflicts (2 of 4 stars). 3 submissions from 3 submitters: Pathogenic (2). 1 of the submissions does not count toward it. Last evaluated 2023-08-28.

Conditions:
Hereditary nonpolyposis colorectal neoplasms. Identifiers: MedGen C0009405, MeSH D003123.
Lynch syndrome 5 (LYNCH5). Also called: Hereditary non-polyposis colorectal cancer, type 5; Colorectal cancer, hereditary nonpolyposis, type 5. Identifiers: Orphanet 144, MedGen C1833477, MONDO:0013710, OMIM 614350. Disease mechanism: loss of function.

Submissions (3):

Myriad Genetics, Inc.
Classification: Pathogenic for Lynch syndrome 5. Last evaluated: 2023-08-28. Review status: criteria provided, single submitter. Criteria: Myriad Autosomal Dominant, Autosomal Recessive and X-Linked Classification Criteria (2023). Collection method: clinical testing. Allele origin: unknown.
Comment: This variant is considered pathogenic. This variant creates a frameshift predicted to result in premature protein truncation.

Labcorp Genetics (formerly Invitae), Labcorp
Classification: Pathogenic for Hereditary nonpolyposis colorectal neoplasms. Last evaluated: 2021-09-15. Review status: criteria provided, single submitter. Criteria: Invitae Variant Classification Sherloc (09022015). Collection method: clinical testing. Allele origin: germline.
Comment: For these reasons, this variant has been classified as Pathogenic. ClinVar contains an entry for this variant (Variation ID: 218074). This premature translational stop signal has been observed in individual(s) with clinical features of Lynch syndrome (PMID: 20028993). This variant is not present in population databases (ExAC no frequency). This sequence change creates a premature translational stop signal (p.Phe1289Leufs*4) in the MSH6 gene. It is expected to result in an absent or disrupted protein product. Loss-of-function variants in MSH6 are known to be pathogenic (PMID: 18269114, 24362816).

Mayo Clinic Laboratories, Mayo Clinic
Classification: Pathogenic. Review status: no assertion criteria provided. Collection method: research. Allele origin: unknown. Observed: 1 variant allele. Not counted in ClinVar's aggregate classification.

Literature cited by the submitters: PubMed 20028993 (cited by Labcorp Genetics (formerly Invitae), Labcorp); PubMed 18269114 (cited by Labcorp Genetics (formerly Invitae), Labcorp); PubMed 24362816 (cited by Labcorp Genetics (formerly Invitae), Labcorp).